The following is an entry in ClinVar:

NM_002471.4(MYH6):c.4744G>A (p.Asp1582Asn)

Genes: MYH6 (myosin heavy chain 6; minus strand), LOC126861896 (BRD4-independent group 4 enhancer GRCh37_chr14:23854904-23856103; plus strand). Cytogenetic location: 14q11.2.
Variant type: single nucleotide variant.
Coding change: c.4744G>A on transcript NM_002471.4 (MANE Select); coding-DNA position 4744, G replaced by A.
Protein change: p.Asp1582Asn; replaces aspartic acid 1582 with asparagine.
Molecular consequence: missense variant.
Genome position (GRCh38, 1-based): chr14:23,386,530, C>T on the plus strand (G>A on the coding strand, the complement: MYH6 is on the minus strand). VCF-style: chr14-23386530-C-T. GRCh37 (hg19) VCF-style: chr14-23855739-C-T.
Other names: short protein forms D1582N.
Identifiers: ClinVar variation 4860554 (VCV004860554.1).
Genomic context (GRCh38, chr14:23,386,530, plus strand): 5'-AGGTCTGCAGCGAGTCCACCACCCGCTGGTGGTTGCGCTTGGCCTGTTCCATCTCCTCGT[C>T]CTTCTCTGCCAGCTTCCGCTCGATCTCTGCCTTGATCTGGTTGAACTCTAGCTGGGCCCG-3'
Protein context (NP_002462.2, residues 1572-1592): AEIERKLAEK[Asp1582Asn]EEMEQAKRNH

ClinVar aggregate classification (germline): Uncertain significance (1 of 4 stars; one submission).

Conditions:
Cardiovascular phenotype. Identifiers: MedGen CN230736.

gnomAD v4.1: 3 of 1,614,120 alleles (0.00019%); highest among the groups gnomAD compares: Non-Finnish European, 0.00017%; no homozygotes.

Submission:

Ambry Genetics
Classification: Uncertain significance for Cardiovascular phenotype. Last evaluated: 2026-03-24. Review status: criteria provided, single submitter. Criteria: Ambry Variant Classification Scheme 2023. Collection method: clinical testing. Allele origin: germline.
Comment: The p.D1582N variant (also known as c.4744G>A), located in coding exon 31 of the MYH6 gene, results from a G to A substitution at nucleotide position 4744. The aspartic acid at codon 1582 is replaced by asparagine, an amino acid with highly similar properties. This amino acid position is highly conserved in available vertebrate species. In addition, this alteration is predicted to be tolerated by in silico analysis. Based on the available evidence, the clinical significance of this variant remains unclear.